The following is an entry in ClinVar:

ClinVar aggregate classification (germline): Uncertain significance (1 of 4 stars; one submission).

Conditions:
Neuronal ceroid lipofuscinosis. Also called: Neuronal Ceroid Lipofuscinoses. Identifiers: Orphanet 216, Orphanet 79263, MedGen C0027877, MONDO:0016295. Disease mechanism: loss of function.

Submission:

Labcorp Genetics (formerly Invitae), Labcorp
Classification: Uncertain significance for Neuronal ceroid lipofuscinosis. Last evaluated: 2022-07-17. Review status: criteria provided, single submitter. Criteria: Invitae Variant Classification Sherloc (09022015). Collection method: clinical testing. Allele origin: germline.
Comment: Advanced modeling of protein sequence and biophysical properties (such as structural, functional, and spatial information, amino acid conservation, physicochemical variation, residue mobility, and thermodynamic stability) performed at Invitae indicates that this missense variant is expected to disrupt CTSD protein function. This variant has not been reported in the literature in individuals affected with CTSD-related conditions. This variant is not present in population databases (gnomAD no frequency). This sequence change replaces proline, which is neutral and non-polar, with serine, which is neutral and polar, at codon 88 of the CTSD protein (p.Pro88Ser). In summary, the available evidence is currently insufficient to determine the role of this variant in disease. Therefore, it has been classified as a Variant of Uncertain Significance.

NM_001909.5(CTSD):c.262C>T (p.Pro88Ser)

Gene: CTSD (cathepsin D; minus strand). Cytogenetic location: 11p15.5.
Variant type: single nucleotide variant.
Coding change: c.262C>T on transcript NM_001909.5 (MANE Select); coding-DNA position 262, C replaced by T.
Protein change: p.Pro88Ser; replaces proline 88 with serine.
Molecular consequence: missense variant.
Genome position (GRCh38, 1-based): chr11:1,759,606, G>A on the plus strand (C>T on the coding strand, the complement: CTSD is on the minus strand). VCF-style: chr11-1759606-G-A. GRCh37 (hg19) VCF-style: chr11-1780836-G-A.
Other names: short protein forms P88S.
Identifiers: ClinVar variation 1717987 (VCV001717987.5), dbSNP rs796052400, ClinGen allele CA379098473.
Genomic context (GRCh38, chr11:1,759,606, plus strand): 5'-TGGAGGGGACCCACAGGTTGGAGGAGCCCGTGTCGAAGACGACTGTGAAGCACTGGGGGG[G>A]CGTCCCGATGCCAATCTCCCCGTAGTACTGGGCCTGGCAGGGGACAGGGTCCGTCAGGGA-3'
Protein context (NP_001900.1, residues 78-98): QYYGEIGIGT[Pro88Ser]PQCFTVVFDT